The following is an entry in ClinVar:

NM_198586.3(NHLRC1):c.746G>C (p.Gly249Ala)

Gene: NHLRC1 (NHL repeat containing E3 ubiquitin protein ligase 1; minus strand). Cytogenetic location: 6p22.3.
Variant type: single nucleotide variant.
Coding change: c.746G>C on transcript NM_198586.3 (MANE Select); coding-DNA position 746, G replaced by C.
Protein change: p.Gly249Ala; replaces glycine 249 with alanine.
Molecular consequence: missense variant.
Genome position (GRCh38, 1-based): chr6:18,121,861, C>G on the plus strand (G>C on the coding strand, the complement: NHLRC1 is on the minus strand). VCF-style: chr6-18121861-C-G. GRCh37 (hg19) VCF-style: chr6-18122092-C-G.
Other names: short protein forms G249A.
Identifiers: ClinVar variation 2095955 (VCV002095955.4), dbSNP rs767300701, ClinGen allele CA362826262.

ClinVar aggregate classification (germline): Uncertain significance (1 of 4 stars; one submission).

Conditions:
Lafora disease. Also called: Epilepsy progressive myoclonic 2; Progressive Myoclonus Epilepsy, Lafora Type. Identifiers: Orphanet 501, MedGen C0751783, MONDO:0009697.

Submission:

Labcorp Genetics (formerly Invitae), Labcorp
Classification: Uncertain significance for Lafora disease. Last evaluated: 2024-02-24. Review status: criteria provided, single submitter. Criteria: Invitae Variant Classification Sherloc (09022015). Collection method: clinical testing. Allele origin: germline.
Comment: This sequence change replaces glycine, which is neutral and non-polar, with alanine, which is neutral and non-polar, at codon 249 of the NHLRC1 protein (p.Gly249Ala). This variant is not present in population databases (gnomAD no frequency). This variant has not been reported in the literature in individuals affected with NHLRC1-related conditions. ClinVar contains an entry for this variant (Variation ID: 2095955). Advanced modeling of protein sequence and biophysical properties (such as structural, functional, and spatial information, amino acid conservation, physicochemical variation, residue mobility, and thermodynamic stability) has been performed at Invitae for this missense variant, however the output from this modeling did not meet the statistical confidence thresholds required to predict the impact of this variant on NHLRC1 protein function. In summary, the available evidence is currently insufficient to determine the role of this variant in disease. Therefore, it has been classified as a Variant of Uncertain Significance.